The following is an entry in ClinVar:

NM_001366145.2(TRPM3):c.1540C>T (p.Arg514Cys)

Gene: TRPM3 (transient receptor potential cation channel subfamily M member 3; minus strand). Cytogenetic location: 9q21.12.
Variant type: single nucleotide variant.
Coding change: c.1540C>T on transcript NM_001366145.2 (MANE Select); coding-DNA position 1540, C replaced by T.
Protein change: p.Arg514Cys; replaces arginine 514 with cysteine.
Molecular consequence: missense variant.
Genome position (GRCh38, 1-based): chr9:70,639,101, G>A on the plus strand (C>T on the coding strand, the complement: TRPM3 is on the minus strand). VCF-style: chr9-70639101-G-A. GRCh37 (hg19) VCF-style: chr9-73254017-G-A.
Other names: c.1540C>T, p.Arg514Cys (NM_001007471.4, NM_001366146.2, NM_001366149.2 and 2 more transcripts); c.1546C>T, p.Arg516Cys (NM_001366141.2, NM_001366142.2, NM_001366143.2); c.1615C>T, p.Arg539Cys (NM_001366147.2, NM_001366148.2, NM_001366152.2); c.1081C>T, p.Arg361Cys (NM_001366154.2, NM_020952.6, NM_024971.7 and 2 more transcripts); c.1156C>T, p.Arg386Cys (NM_206946.5, NM_206947.5); short protein forms R361C, R386C, R514C, R516C, R539C.
Identifiers: ClinVar variation 3366739 (VCV003366739.1).

ClinVar aggregate classification (germline): Uncertain significance (1 of 4 stars; one submission).

gnomAD v4.1: 34 of 1,613,898 alleles (0.0021%); highest among the groups gnomAD compares: Middle Eastern, 0.017%; 1 homozygote.

Submission:

Women's Health and Genetics/Laboratory Corporation of America, LabCorp
Classification: Uncertain significance. Last evaluated: 2024-08-19. Review status: criteria provided, single submitter. Criteria: LabCorp Variant Classification Summary - May 2015. Collection method: clinical testing. Allele origin: germline.
Comment: Variant summary: TRPM3 c.1081C>T (p.Arg361Cys) results in a non-conservative amino acid change in the encoded protein sequence. Three of five in-silico tools predict a damaging effect of the variant on protein function. The variant allele was found at a frequency of 8e-06 in 251196 control chromosomes. The available data on variant occurrences in the general population are insufficient to allow any conclusion about variant significance. To our knowledge, no occurrence of c.1081C>T in individuals affected with Neurodevelopmental Disorder With Hypotonia, Dysmorphic Facies, And Skeletal Anomalies, With Or Without Seizures and no experimental evidence demonstrating its impact on protein function have been reported. No submitters have cited clinical-significance assessments for this variant to ClinVar. Based on the evidence outlined above, the variant was classified as uncertain significance.